The following is an entry in ClinVar:

ClinVar aggregate classification (germline): Uncertain significance (1 of 4 stars; one submission).

Conditions:
Malignant hyperthermia, susceptibility to, 1 (MHS1). Also called: Anesthesia related hyperthermia; Malignant hyperpyrexia; Fulminating hyperpyrexia; Pharmacogenic myopathy; RYR1-Related Malignant Hyperthermia Susceptibility; Malignant hyperthermia suceptibility 1. Identifiers: Orphanet 423, MedGen C2930980, MONDO:0007783, OMIM 145600.

gnomAD v4.1: 1 of 1,614,136 alleles (0.000062%); highest among the groups gnomAD compares: Non-Finnish European, 0.000085%; no homozygotes.

Submission:

All of Us Research Program, National Institutes of Health
Classification: Uncertain significance for Malignant hyperthermia, susceptibility to, 1. Last evaluated: 2024-08-06. Review status: criteria provided, single submitter. Criteria: ACMG Guidelines, 2015. Collection method: clinical testing. Allele origin: germline. Inheritance: Autosomal dominant inheritance. Observed: 2 variant alleles, 2 heterozygotes.
Comment: This study involves interpretation of variants in research participants for the purpose of population health screening. Participant phenotype was not available at the time of variant classification. Additional details can be found in publication PMID: 35346344, PMCID: PMC8962531

NM_000540.3(RYR1):c.10079C>T (p.Pro3360Leu)

Gene: RYR1 (ryanodine receptor 1; plus strand). Cytogenetic location: 19q13.2.
Variant type: single nucleotide variant.
Coding change: c.10079C>T on transcript NM_000540.3 (MANE Select); coding-DNA position 10079, C replaced by T.
Protein change: p.Pro3360Leu; replaces proline 3360 with leucine.
Molecular consequence: missense variant.
Genome position (GRCh38, 1-based): chr19:38,519,274, C>T. VCF-style: chr19-38519274-C-T. GRCh37 (hg19) VCF-style: chr19-39009914-C-T.
Other names: c.10079C>T, p.Pro3360Leu (NM_001042723.2); short protein forms P3360L.
Identifiers: ClinVar variation 3074206 (VCV003074206.2), dbSNP rs2514443171, ClinGen allele CA405695024.